The following is an entry in ClinVar:

NM_001385125.1(OPN1SW):c.446C>T (p.Thr149Met)

Gene: OPN1SW (opsin 1, short wave sensitive; minus strand). Cytogenetic location: 7q32.1.
Variant type: single nucleotide variant.
Coding change: c.446C>T on transcript NM_001385125.1 (MANE Select); coding-DNA position 446, C replaced by T.
Protein change: p.Thr149Met; replaces threonine 149 with methionine.
Molecular consequence: missense variant.
Genome position (GRCh38, 1-based): chr7:128,775,052, G>A on the plus strand (C>T on the coding strand, the complement: OPN1SW is on the minus strand). VCF-style: chr7-128775052-G-A. GRCh37 (hg19) VCF-style: chr7-128415106-G-A.
Other names: short protein forms T149M.
Identifiers: ClinVar variation 1023645 (VCV001023645.6), dbSNP rs769004186, ClinGen allele CA4472940.

ClinVar aggregate classification (germline): Uncertain significance (1 of 4 stars; one submission).

Allele frequency attached by ClinVar (database versions not stated): TOPMed 0.00002.

Submission:

Labcorp Genetics (formerly Invitae), Labcorp
Classification: Uncertain significance. Last evaluated: 2025-06-22. Review status: criteria provided, single submitter. Criteria: Invitae Variant Classification Sherloc (09022015). Collection method: clinical testing. Allele origin: germline.
Comment: This sequence change replaces threonine, which is neutral and polar, with methionine, which is neutral and non-polar, at codon 152 of the OPN1SW protein (p.Thr152Met). This variant is present in population databases (rs769004186, gnomAD 0.05%). This variant has not been reported in the literature in individuals affected with OPN1SW-related conditions. ClinVar contains an entry for this variant (Variation ID: 1023645). An algorithm developed to predict the effect of missense changes on protein structure and function outputs the following: PolyPhen-2: "Benign". The methionine amino acid residue is found in multiple mammalian species, which suggests that this missense change does not adversely affect protein function. In summary, the available evidence is currently insufficient to determine the role of this variant in disease. Therefore, it has been classified as a Variant of Uncertain Significance.